The following is an entry in ClinVar:

NM_006259.3(PRKG2):c.629-9G>A

Genes: PRKG2 (protein kinase cGMP-dependent 2; minus strand), PRKG2-AS1 (PRKG2 antisense RNA 1; plus strand). Cytogenetic location: 4q21.21.
Variant type: single nucleotide variant.
Coding change: c.629-9G>A on transcript NM_006259.3 (MANE Select); 9 bases into the intron before coding-DNA position 629, G replaced by A.
Molecular consequence: intron variant.
Genome position (GRCh38, 1-based): chr4:81,171,813, C>T on the plus strand (G>A on the coding strand, the complement: PRKG2 is on the minus strand). VCF-style: chr4-81171813-C-T. GRCh37 (hg19) VCF-style: chr4-82092967-C-T.
Other names: c.629-9G>A (NM_001282485.2, NM_001363401.2).
Identifiers: ClinVar variation 3060693 (VCV003060693.3), dbSNP rs9992933, ClinGen allele CA2983910.

ClinVar aggregate classification (germline): Benign. Review status: criteria provided, single submitter (1 of 4 stars). 2 submissions from 2 submitters: Benign (1). 1 of the submissions does not count toward it. Last evaluated 2026-05-08.

Conditions:
PRKG2-related disorder. Also called: PRKG2-related condition.

Allele frequency attached by ClinVar (database versions not stated): ESP Exome Variant Server 0.35314; TOPMed 0.37542; 1000 Genomes Project 0.46985; 1000 Genomes Project 30x 0.47033.
gnomAD v4.1: 365,407 of 1,569,840 alleles (23%); highest among the groups gnomAD compares: African/African-American, 67%; 55,958 homozygotes.

Submissions (2):

Women's Health and Genetics/Laboratory Corporation of America, LabCorp
Classification: Benign. Last evaluated: 2026-05-08. Review status: criteria provided, single submitter. Criteria: LabCorp Variant Classification Summary - May 2015. Collection method: clinical testing. Allele origin: germline.

PreventionGenetics, part of Exact Sciences
Classification: Benign for PRKG2-related condition. Last evaluated: 2019-10-17. Review status: no assertion criteria provided. Collection method: clinical testing. Allele origin: germline. Not counted in ClinVar's aggregate classification.
Comment: This variant is classified as benign based on ACMG/AMP sequence variant interpretation guidelines (Richards et al. 2015 PMID: 25741868, with internal and published modifications).